The following is an entry in ClinVar:

NM_182931.3(KMT2E):c.2541dup (p.Val848fs)

Gene: KMT2E (lysine methyltransferase 2E (inactive); plus strand). Cytogenetic location: 7q22.3.
Variant type: Duplication.
Coding change: c.2541dup on transcript NM_182931.3 (MANE Select); coding-DNA position 2541, one base duplicated (A; older notation c.2541dupA).
Protein change: p.Val848fs; shifts the reading frame from valine 848.
Molecular consequence: frameshift variant.
Genome position (GRCh38, 1-based): chr7:105,105,948, A duplicated. VCF-style (leftmost placement, unchanged base first): chr7-105105947-C-CA. GRCh37 (hg19) VCF-style: chr7-104746394-C-CA.
Other names: c.2541dup, p.Val848fs (NM_001410908.1, NM_018682.4); short protein forms V848fs.
Identifiers: ClinVar variation 3646961 (VCV003646961.2).

ClinVar aggregate classification (germline): Pathogenic (1 of 4 stars; one submission).

Submission:

Labcorp Genetics (formerly Invitae), Labcorp
Classification: Pathogenic. Last evaluated: 2024-03-20. Review status: criteria provided, single submitter. Criteria: Invitae Variant Classification Sherloc (09022015). Collection method: clinical testing. Allele origin: germline.
Comment: This sequence change creates a premature translational stop signal (p.Val848Serfs*4) in the KMT2E gene. It is expected to result in an absent or disrupted protein product. Loss-of-function variants in KMT2E are known to be pathogenic (PMID: 31079897). This variant is not present in population databases (gnomAD no frequency). This variant has not been reported in the literature in individuals affected with KMT2E-related conditions. For these reasons, this variant has been classified as Pathogenic.

Literature cited by the submitters: PubMed 31079897.